The following is an entry in ClinVar:

NM_004268.5(MED17):c.159_162del (p.Gly54fs)

Gene: MED17 (mediator complex subunit 17; plus strand). Cytogenetic location: 11q21.
Variant type: Deletion.
Coding change: c.159_162del on transcript NM_004268.5 (MANE Select); coding-DNA positions 159 to 162, 4 bases deleted (GGGC; older notation c.159_162delGGGC).
Protein change: p.Gly54fs; shifts the reading frame from glycine 54.
Molecular consequence: frameshift variant.
Genome position (GRCh38, 1-based): chr11:93,784,672-93,784,675, GGGC deleted; deleting any 4 consecutive bases within chr11:93,784,671-93,784,675 gives the same sequence; the c. name uses the placement nearest the transcript's 3' end. VCF-style (leftmost placement, unchanged base first): chr11-93784670-TCGGG-T. GRCh37 (hg19) VCF-style: chr11-93517836-TCGGG-T.
Other names: short protein forms G54fs.
Identifiers: ClinVar variation 1355674 (VCV001355674.6), dbSNP rs2135707160, ClinGen allele CA2573147762.

ClinVar aggregate classification (germline): Pathogenic (1 of 4 stars; one submission).

Submission:

Labcorp Genetics (formerly Invitae), Labcorp
Classification: Pathogenic. Last evaluated: 2022-06-09. Review status: criteria provided, single submitter. Criteria: Invitae Variant Classification Sherloc (09022015). Collection method: clinical testing. Allele origin: germline.
Comment: For these reasons, this variant has been classified as Pathogenic. This variant has not been reported in the literature in individuals affected with MED17-related conditions. This variant is not present in population databases (gnomAD no frequency). This sequence change creates a premature translational stop signal (p.Gly54Profs*32) in the MED17 gene. It is expected to result in an absent or disrupted protein product. Loss-of-function variants in MED17 are known to be pathogenic (PMID: 20950787, 26004231, 30345598).

Literature cited by the submitters: PubMed 20950787; PubMed 26004231; PubMed 30345598.